The following is an entry in ClinVar:

NM_001329943.3(KIAA0586):c.3542C>G (p.Ala1181Gly)

Gene: KIAA0586 (KIAA0586; plus strand). Cytogenetic location: 14q23.1.
Variant type: single nucleotide variant.
Coding change: c.3542C>G on transcript NM_001329943.3 (MANE Select); coding-DNA position 3542, C replaced by G.
Protein change: p.Ala1181Gly; replaces alanine 1181 with glycine.
Molecular consequence: missense variant.
Genome position (GRCh38, 1-based): chr14:58,488,635, C>G. VCF-style: chr14-58488635-C-G. GRCh37 (hg19) VCF-style: chr14-58955353-C-G.
Other names: c.3287C>G, p.Ala1096Gly (NM_001244191.2, NM_001329945.2, NM_001364700.1 and 1 more transcripts); c.3410C>G, p.Ala1137Gly (NM_001244192.2); c.3122C>G, p.Ala1041Gly (NM_001244193.2); c.3542C>G, p.Ala1181Gly (NM_001329944.2, NM_001329946.2, NM_001329947.2); c.3314C>G (NM_014749.3); c.3314C>G, p.Ala1105Gly (NM_014749.5); c.3701C>G, p.Ala1234Gly (NM_001244189.2); c.3497C>G, p.Ala1166Gly (NM_001244190.2); short protein forms A1041G, A1166G, A1181G, A1096G, A1234G, A1105G, A1137G.
Identifiers: ClinVar variation 1482712 (VCV001482712.7), dbSNP rs910865335, ClinGen allele CA261648134.

ClinVar aggregate classification (germline): Uncertain significance. Review status: criteria provided, multiple submitters, no conflicts (2 of 4 stars). 2 submissions from 2 submitters: Uncertain significance (2). Last evaluated 2022-07-11.

Conditions:
Short-rib thoracic dysplasia 14 with polydactyly (SRTD14). Identifiers: Orphanet 397715, MedGen C4225286, MONDO:0014688, OMIM 616546.
Joubert syndrome 23 (JBTS23). Identifiers: Orphanet 475, MedGen C4084822, MONDO:0014664, OMIM 616490.
Inborn genetic diseases. Identifiers: MedGen C0950123, MeSH D030342.

Allele frequency attached by ClinVar (database versions not stated): gnomAD exomes below 0.00001; gnomAD 0.00001.

Submissions (2):

Labcorp Genetics (formerly Invitae), Labcorp
Classification: Uncertain significance for Joubert syndrome 23; Short-rib thoracic dysplasia 14 with polydactyly. Last evaluated: 2022-07-11. Review status: criteria provided, single submitter. Criteria: Invitae Variant Classification Sherloc (09022015). Collection method: clinical testing. Allele origin: germline.
Comment: In summary, the available evidence is currently insufficient to determine the role of this variant in disease. Therefore, it has been classified as a Variant of Uncertain Significance. Algorithms developed to predict the effect of sequence changes on RNA splicing suggest that this variant may create or strengthen a splice site. Algorithms developed to predict the effect of missense changes on protein structure and function are either unavailable or do not agree on the potential impact of this missense change (SIFT: "Deleterious"; PolyPhen-2: "Probably Damaging"; Align-GVGD: "Class C0"). This variant has not been reported in the literature in individuals affected with KIAA0586-related conditions. This variant is not present in population databases (gnomAD no frequency). This sequence change replaces alanine, which is neutral and non-polar, with glycine, which is neutral and non-polar, at codon 1234 of the KIAA0586 protein (p.Ala1234Gly).

Ambry Genetics
Classification: Uncertain significance for Inborn genetic diseases. Last evaluated: 2022-01-04. Review status: criteria provided, single submitter. Criteria: Ambry Variant Classification Scheme 2023. Collection method: clinical testing. Allele origin: germline.